The following is an entry in ClinVar:

ClinVar aggregate classification (germline): Uncertain significance. Review status: criteria provided, multiple submitters, no conflicts (2 of 4 stars). 4 submissions from 4 submitters: Uncertain significance (4). Last evaluated 2025-07-02.

Conditions:
Inborn genetic diseases. Identifiers: MedGen C0950123, MeSH D030342.

Allele frequency attached by ClinVar (database versions not stated): gnomAD exomes 0.00002; ExAC 0.00005; gnomAD 0.00005; TOPMed 0.00009.
gnomAD v4.1: 40 of 1,614,112 alleles (0.0025%); highest among the groups gnomAD compares: Admixed American, 0.047%; no homozygotes.

Submissions (4):

Ambry Genetics
Classification: Uncertain significance for Inborn genetic diseases. Last evaluated: 2025-07-02. Review status: criteria provided, single submitter. Criteria: Ambry Variant Classification Scheme 2023. Collection method: clinical testing. Allele origin: germline.

Blueprint Genetics
Classification: Uncertain significance. Last evaluated: 2024-09-17. Review status: criteria provided, single submitter. Criteria: ACMG Guidelines, 2015. Collection method: clinical testing. Allele origin: germline.

GeneDx
Classification: Uncertain significance. Last evaluated: 2023-07-31. Review status: criteria provided, single submitter. Criteria: GeneDx Variant Classification Process June 2021. Collection method: clinical testing. Allele origin: germline. Affected: yes.
Comment: In silico analysis supports that this missense variant has a deleterious effect on protein structure/function; Has not been previously published as pathogenic or benign to our knowledge

Labcorp Genetics (formerly Invitae), Labcorp
Classification: Uncertain significance. Last evaluated: 2022-10-18. Review status: criteria provided, single submitter. Criteria: Invitae Variant Classification Sherloc (09022015). Collection method: clinical testing. Allele origin: germline.
Comment: This sequence change replaces serine, which is neutral and polar, with proline, which is neutral and non-polar, at codon 439 of the NARS2 protein (p.Ser439Pro). This variant is present in population databases (rs775587143, gnomAD 0.06%). This variant has not been reported in the literature in individuals affected with NARS2-related conditions. Advanced modeling of protein sequence and biophysical properties (such as structural, functional, and spatial information, amino acid conservation, physicochemical variation, residue mobility, and thermodynamic stability) performed at Invitae indicates that this missense variant is expected to disrupt NARS2 protein function. In summary, the available evidence is currently insufficient to determine the role of this variant in disease. Therefore, it has been classified as a Variant of Uncertain Significance.

NM_024678.6(NARS2):c.1315T>C (p.Ser439Pro)

Gene: NARS2 (asparaginyl-tRNA synthetase 2, mitochondrial; minus strand). Cytogenetic location: 11q14.1.
Variant type: single nucleotide variant.
Coding change: c.1315T>C on transcript NM_024678.6 (MANE Select); coding-DNA position 1315, T replaced by C.
Protein change: p.Ser439Pro; replaces serine 439 with proline.
Molecular consequence: missense variant.
Genome position (GRCh38, 1-based): chr11:78,436,789, A>G on the plus strand (T>C on the coding strand, the complement: NARS2 is on the minus strand). VCF-style: chr11-78436789-A-G. GRCh37 (hg19) VCF-style: chr11-78147835-A-G.
Other names: c.1315T>C (NM_024678.5); c.634T>C, p.Ser212Pro (NM_001243251.2); short protein forms S439P, S212P.
Identifiers: ClinVar variation 1979094 (VCV001979094.4), dbSNP rs775587143, ClinGen allele CA6205487.
Genomic context (GRCh38, chr11:78,436,789, plus strand): 5'-CACCCAAGATGCACTGCAGGTAGCGTTCAAATCCCATCCCAAAACCTCCATGTGGCACAG[A>G]TCCAAATCGACGAAGGTCCAGATACCTGTTTTTCAAAAATAGAAAATCATCATCTATATA-3'
Protein context (NP_078954.4, residues 429-449): QWYLDLRRFG[Ser439Pro]VPHGGFGMGF